The following is an entry in ClinVar:

NM_004104.5(FASN):c.7127C>T (p.Thr2376Met)

Gene: FASN (fatty acid synthase; minus strand). Cytogenetic location: 17q25.3.
Variant type: single nucleotide variant.
Coding change: c.7127C>T on transcript NM_004104.5 (MANE Select); coding-DNA position 7127, C replaced by T.
Protein change: p.Thr2376Met; replaces threonine 2376 with methionine.
Molecular consequence: missense variant.
Genome position (GRCh38, 1-based): chr17:82,080,159, G>A on the plus strand (C>T on the coding strand, the complement: FASN is on the minus strand). VCF-style: chr17-82080159-G-A. GRCh37 (hg19) VCF-style: chr17-80038035-G-A.
Other names: short protein forms T2376M.
Identifiers: ClinVar variation 1355476 (VCV001355476.8), dbSNP rs777370582, ClinGen allele CA8851108.
Genomic context (GRCh38, chr17:82,080,159, plus strand): 5'-GTACTCTGGGTCCTGCGGCCTCAGGGGTGTCCAGGACCCACCCTGTTGTGCTCCATGTCC[G>A]TGAACTGCTGCACGAAGAAGCATATGGCCTCCGTCTCAGCCTCAGCCTCACAGCCTGGGG-3'
Protein context (NP_004095.4, residues 2366-2386): EAICFFVQQF[Thr2376Met]DMEHNRVLEA

ClinVar aggregate classification (germline): Uncertain significance (1 of 4 stars; one submission).

Conditions:
Epileptic encephalopathy. Identifiers: MedGen C0543888, HP:0200134.

Allele frequency attached by ClinVar (database versions not stated): gnomAD exomes 0.00001; ExAC 0.00002; TOPMed 0.00002.
gnomAD v4.1: 9 of 1,613,200 alleles (0.00056%); highest among the groups gnomAD compares: East Asian, 0.0022%; no homozygotes.

Submission:

Labcorp Genetics (formerly Invitae), Labcorp
Classification: Uncertain significance for Epileptic encephalopathy. Last evaluated: 2024-11-05. Review status: criteria provided, single submitter. Criteria: Invitae Variant Classification Sherloc (09022015). Collection method: clinical testing. Allele origin: germline.
Comment: This sequence change replaces threonine, which is neutral and polar, with methionine, which is neutral and non-polar, at codon 2376 of the FASN protein (p.Thr2376Met). This variant is present in population databases (rs777370582, gnomAD 0.006%). This variant has not been reported in the literature in individuals affected with FASN-related conditions. ClinVar contains an entry for this variant (Variation ID: 1355476). An algorithm developed to predict the effect of missense changes on protein structure and function outputs the following: PolyPhen-2: "Benign". The methionine amino acid residue is found in multiple mammalian species, which suggests that this missense change does not adversely affect protein function. In summary, the available evidence is currently insufficient to determine the role of this variant in disease. Therefore, it has been classified as a Variant of Uncertain Significance.